The following is an entry in ClinVar:

ClinVar aggregate classification (germline): Uncertain significance (1 of 4 stars; one submission).

Submission:

GeneDx
Classification: Uncertain significance. Last evaluated: 2024-05-11. Review status: criteria provided, single submitter. Criteria: GeneDx Variant Classification Process June 2021. Collection method: clinical testing. Allele origin: germline. Affected: yes.
Comment: Not observed at significant frequency in large population cohorts (gnomAD); In silico analysis supports that this missense variant has a deleterious effect on protein structure/function; Has not been previously published as pathogenic or benign to our knowledge

NM_001112741.2(KCNC1):c.1213G>A (p.Asp405Asn)

Gene: KCNC1 (potassium voltage-gated channel subfamily C member 1; plus strand). Cytogenetic location: 11p15.1.
Variant type: single nucleotide variant.
Coding change: c.1213G>A on transcript NM_001112741.2 (MANE Select); coding-DNA position 1213, G replaced by A.
Protein change: p.Asp405Asn; replaces aspartic acid 405 with asparagine.
Molecular consequence: missense variant.
Genome position (GRCh38, 1-based): chr11:17,772,307, G>A. VCF-style: chr11-17772307-G-A. GRCh37 (hg19) VCF-style: chr11-17793854-G-A.
Other names: c.1213G>A, p.Asp405Asn (NM_004976.4); short protein forms D405N.
Identifiers: ClinVar variation 3375706 (VCV003375706.1).